The following is an entry in ClinVar:

NM_020778.5(ALPK3):c.3500G>A (p.Arg1167Lys)

Gene: ALPK3 (alpha kinase 3; plus strand). Cytogenetic location: 15q25.3.
Variant type: single nucleotide variant.
Coding change: c.3500G>A on transcript NM_020778.5 (MANE Select); coding-DNA position 3500, G replaced by A.
Protein change: p.Arg1167Lys; replaces arginine 1167 with lysine.
Molecular consequence: missense variant.
Genome position (GRCh38, 1-based): chr15:84,858,238, G>A. VCF-style: chr15-84858238-G-A. GRCh37 (hg19) VCF-style: chr15-85401469-G-A.
Other names: short protein forms R1167K.
Identifiers: ClinVar variation 3611036 (VCV003611036.2).

ClinVar aggregate classification (germline): Uncertain significance (1 of 4 stars; one submission).

Submission:

Labcorp Genetics (formerly Invitae), Labcorp
Classification: Uncertain significance. Last evaluated: 2024-06-22. Review status: criteria provided, single submitter. Criteria: Invitae Variant Classification Sherloc (09022015). Collection method: clinical testing. Allele origin: germline.
Comment: This sequence change replaces arginine, which is basic and polar, with lysine, which is basic and polar, at codon 1369 of the ALPK3 protein (p.Arg1369Lys). This variant is not present in population databases (gnomAD no frequency). This variant has not been reported in the literature in individuals affected with ALPK3-related conditions. An algorithm developed to predict the effect of missense changes on protein structure and function (PolyPhen-2) suggests that this variant is likely to be disruptive. In summary, the available evidence is currently insufficient to determine the role of this variant in disease. Therefore, it has been classified as a Variant of Uncertain Significance.